The following is an entry in ClinVar:

ClinVar aggregate classification (germline): Uncertain significance. Review status: criteria provided, multiple submitters, no conflicts (2 of 4 stars). 2 submissions from 2 submitters: Uncertain significance (2). Last evaluated 2024-03-12.

Conditions:
Focal segmental glomerulosclerosis 5 (FSGS5). Identifiers: Orphanet 656, MedGen C2750475, MONDO:0013191, OMIM 613237.
Charcot-Marie-Tooth disease dominant intermediate E. Also called: CHARCOT-MARIE-TOOTH NEUROPATHY WITH FOCAL SEGMENTAL GLOMERULONEPHRITIS. Identifiers: Orphanet 93114, MedGen C4302667, MONDO:0013758, OMIM 614455.

gnomAD v4.1: 2 of 1,611,750 alleles (0.00012%); highest among the groups gnomAD compares: South Asian, 0.0022%; no homozygotes.

Submissions (2):

Labcorp Genetics (formerly Invitae), Labcorp
Classification: Uncertain significance for Charcot-Marie-Tooth disease dominant intermediate E; Focal segmental glomerulosclerosis 5. Last evaluated: 2024-03-12. Review status: criteria provided, single submitter. Criteria: Invitae Variant Classification Sherloc (09022015). Collection method: clinical testing. Allele origin: germline.
Comment: This sequence change replaces glutamic acid, which is acidic and polar, with aspartic acid, which is acidic and polar, at codon 1098 of the INF2 protein (p.Glu1098Asp). This variant is not present in population databases (gnomAD no frequency). This variant has not been reported in the literature in individuals affected with INF2-related conditions. Advanced modeling of protein sequence and biophysical properties (such as structural, functional, and spatial information, amino acid conservation, physicochemical variation, residue mobility, and thermodynamic stability) performed at Invitae indicates that this missense variant is not expected to disrupt INF2 protein function with a negative predictive value of 95%. In summary, the available evidence is currently insufficient to determine the role of this variant in disease. Therefore, it has been classified as a Variant of Uncertain Significance.

Fulgent Genetics
Classification: Uncertain significance for Focal segmental glomerulosclerosis 5; Charcot-Marie-Tooth disease dominant intermediate E. Last evaluated: 2024-02-12. Review status: criteria provided, single submitter. Criteria: ACMG Guidelines, 2015. Collection method: clinical testing. Allele origin: germline.

NM_022489.4(INF2):c.3294G>C (p.Glu1098Asp)

Gene: INF2 (inverted formin 2; plus strand). Cytogenetic location: 14q32.33.
Variant type: single nucleotide variant.
Coding change: c.3294G>C on transcript NM_022489.4 (MANE Select); coding-DNA position 3294, G replaced by C.
Protein change: p.Glu1098Asp; replaces glutamic acid 1098 with aspartic acid.
Molecular consequence: missense variant. On other transcripts: non-coding transcript variant (1).
Genome position (GRCh38, 1-based): chr14:104,714,456, G>C. VCF-style: chr14-104714456-G-C. GRCh37 (hg19) VCF-style: chr14-105180793-G-C.
Other names: c.3294G>C, p.Glu1098Asp (NM_001031714.4, NM_001426862.1, NM_001426863.1 and 2 more transcripts); short protein forms E1098D.
Identifiers: ClinVar variation 3576475 (VCV003576475.3).